The following is an entry in ClinVar:

ClinVar aggregate classification (germline): Uncertain significance (1 of 4 stars; one submission).

Conditions:
Combined immunodeficiency due to CTPS1 deficiency. Also called: Immunodeficiency 24; Severe combined immunodeficiency due to CTPS1 deficiency. Identifiers: Orphanet 420573, MedGen C4014617, MONDO:0014391, OMIM 615897.

Allele frequency attached by ClinVar (database versions not stated): gnomAD exomes below 0.00001.

Submission:

Labcorp Genetics (formerly Invitae), Labcorp
Classification: Uncertain significance for Combined immunodeficiency due to CTPS1 deficiency. Last evaluated: 2021-08-12. Review status: criteria provided, single submitter. Criteria: Invitae Variant Classification Sherloc (09022015). Collection method: clinical testing. Allele origin: germline.
Comment: This sequence change affects a donor splice site in intron 7 of the CTPS1 gene. It is expected to disrupt RNA splicing. Variants that disrupt the donor or acceptor splice site typically lead to a loss of protein function (PMID: 16199547), however the current clinical and genetic evidence is not sufficient to establish whether loss-of-function variants in CTPS1 cause disease. This variant is not present in population databases (ExAC no frequency). This variant has not been reported in the literature in individuals affected with CTPS1-related conditions. Algorithms developed to predict the effect of sequence changes on RNA splicing suggest that this variant may disrupt the consensus splice site. In summary, the available evidence is currently insufficient to determine the role of this variant in disease. Therefore, it has been classified as a Variant of Uncertain Significance.

Literature cited by the submitters: PubMed 16199547.

NM_001905.4(CTPS1):c.720+1G>A

Gene: CTPS1 (CTP synthase 1; plus strand). Cytogenetic location: 1p34.2.
Variant type: single nucleotide variant.
Coding change: c.720+1G>A on transcript NM_001905.4 (MANE Select); the canonical splice donor site of the intron after coding-DNA position 720, G replaced by A.
Molecular consequence: splice donor variant.
Genome position (GRCh38, 1-based): chr1:40,991,846, G>A. VCF-style: chr1-40991846-G-A. GRCh37 (hg19) VCF-style: chr1-41457518-G-A.
Other names: c.252+1G>A (NM_001301237.2).
Identifiers: ClinVar variation 1521037 (VCV001521037.5), dbSNP rs1381936067, ClinGen allele CA339903842.